The following is an entry in ClinVar:

NM_001025616.3(ARHGAP24):c.1496G>A (p.Arg499Gln)

Gene: ARHGAP24 (Rho GTPase activating protein 24; plus strand). Cytogenetic location: 4q21.23.
Variant type: single nucleotide variant.
Coding change: c.1496G>A on transcript NM_001025616.3 (MANE Select); coding-DNA position 1496, G replaced by A.
Protein change: p.Arg499Gln; replaces arginine 499 with glutamine.
Molecular consequence: missense variant.
Genome position (GRCh38, 1-based): chr4:85,995,150, G>A. VCF-style: chr4-85995150-G-A. GRCh37 (hg19) VCF-style: chr4-86916303-G-A.
Other names: c.1211G>A, p.Arg404Gln (NM_001042669.2); c.1241G>A, p.Arg414Gln (NM_001287805.2); c.917G>A, p.Arg306Gln (NM_001346093.2); c.1217G>A, p.Arg406Gln (NM_031305.3); short protein forms R404Q, R406Q, R499Q, R306Q, R414Q.
Identifiers: ClinVar variation 2175001 (VCV002175001.4), dbSNP rs115120658, ClinGen allele CA2994756.
Genomic context (GRCh38, chr4:85,995,150, plus strand): 5'-ATGGAACGGTGCGCATGGGCATTTTGAACAGCGACACACTCGGGAACCCCACAAATGTTC[G>A]AAACATGAGCTGGCTGCCAAATGGCTATGTGACCCTGAGGGATAACAAGCAGAAAGAACA-3'
Protein context (NP_001020787.2, residues 489-509): SDTLGNPTNV[Arg499Gln]NMSWLPNGYV

ClinVar aggregate classification (germline): Uncertain significance (1 of 4 stars; one submission).

Allele frequency attached by ClinVar (database versions not stated): ESP Exome Variant Server 0.00008; TOPMed 0.00008; gnomAD 0.00009; gnomAD exomes 0.00009; ExAC 0.00012; 1000 Genomes Project 30x 0.00016; 1000 Genomes Project 0.00020.
gnomAD v4.1: 142 of 1,613,996 alleles (0.0088%); highest among the groups gnomAD compares: Middle Eastern, 0.13%; no homozygotes.

Submission:

Labcorp Genetics (formerly Invitae), Labcorp
Classification: Uncertain significance. Last evaluated: 2024-12-06. Review status: criteria provided, single submitter. Criteria: Invitae Variant Classification Sherloc (09022015). Collection method: clinical testing. Allele origin: germline.
Comment: This sequence change replaces arginine, which is basic and polar, with glutamine, which is neutral and polar, at codon 499 of the ARHGAP24 protein (p.Arg499Gln). This variant is present in population databases (rs115120658, gnomAD 0.02%). This variant has not been reported in the literature in individuals affected with ARHGAP24-related conditions. ClinVar contains an entry for this variant (Variation ID: 2175001). An algorithm developed to predict the effect of missense changes on protein structure and function (PolyPhen-2) suggests that this variant is likely to be disruptive. In summary, the available evidence is currently insufficient to determine the role of this variant in disease. Therefore, it has been classified as a Variant of Uncertain Significance.